The following is an entry in ClinVar:

ClinVar aggregate classification (germline): Uncertain significance. Review status: criteria provided, multiple submitters, no conflicts (2 of 4 stars). 2 submissions from 2 submitters: Uncertain significance (2). Last evaluated 2026-02-11.

Conditions:
Hereditary cancer-predisposing syndrome. Also called: Neoplastic Syndromes, Hereditary; Tumor predisposition; Hereditary neoplastic syndrome; Hereditary Cancer Syndrome. Identifiers: Orphanet 140162, MedGen C0027672, MeSH D009386, MONDO:0015356.
Microcephaly, normal intelligence and immunodeficiency (NBS). Also called: Immunodeficiency, microcephaly with normal intelligence; SEEMANOVA SYNDROME II; IMMUNODEFICIENCY, MICROCEPHALY, AND CHROMOSOMAL INSTABILITY; BERLIN BREAKAGE SYNDROME; Nijmegen breakage syndrome; Microcephaly with normal intelligence immunodeficiency and lymphoreticular malignancies. Identifiers: Orphanet 647, MedGen C0398791, MONDO:0009623, OMIM 251260.

Submissions (2):

Ambry Genetics
Classification: Uncertain significance for Hereditary cancer-predisposing syndrome. Last evaluated: 2026-02-11. Review status: criteria provided, single submitter. Criteria: Ambry Variant Classification Scheme 2023. Collection method: clinical testing. Allele origin: germline.
Comment: The c.895A>C variant (also known as p.R299R), located in coding exon 7 of the NBN gene, results from an A to C substitution at nucleotide position 895. This nucleotide substitution does not change the arginine at codon 299. This nucleotide position is highly conserved in available vertebrate species. In silico splice site analysis for this alteration is inconclusive. Based on the available evidence, the clinical significance of this variant remains unclear.

Labcorp Genetics (formerly Invitae), Labcorp
Classification: Uncertain significance for Microcephaly, normal intelligence and immunodeficiency. Last evaluated: 2021-07-22. Review status: criteria provided, single submitter. Criteria: Invitae Variant Classification Sherloc (09022015). Collection method: clinical testing. Allele origin: germline.
Comment: In summary, this is a novel silent change with uncertain impact on splicing. It has been classified as a Variant of Uncertain Significance. Algorithms developed to predict the effect of sequence changes on RNA splicing suggest that this variant may alter RNA splicing, but this prediction has not been confirmed by published transcriptional studies. This variant is not present in population databases (ExAC no frequency) and has not been reported in the literature in individuals with a NBN-related disease. This sequence change affects codon 299 of the NBN mRNA. It is a 'silent' change, meaning that it does not change the encoded amino acid sequence of the NBN protein.

NM_002485.5(NBN):c.895A>C (p.Arg299=)

Gene: NBN (nibrin; minus strand). Cytogenetic location: 8q21.3.
Variant type: single nucleotide variant.
Coding change: c.895A>C on transcript NM_002485.5 (MANE Select); coding-DNA position 895, A replaced by C.
Protein change: p.Arg299=; no amino-acid change (arginine 299 retained).
Molecular consequence: synonymous variant.
Genome position (GRCh38, 1-based): chr8:89,970,365, T>G on the plus strand (A>C on the coding strand, the complement: NBN is on the minus strand). VCF-style: chr8-89970365-T-G. GRCh37 (hg19) VCF-style: chr8-90982593-T-G.
Other names: c.649A>C, p.Arg217= (NM_001024688.3).
Identifiers: ClinVar variation 461586 (VCV000461586.12), dbSNP rs1554563784, ClinGen allele CA461830778.